The following is an entry in ClinVar:

NM_004795.4(KL):c.2619T>C (p.Asn873=)

Gene: KL (klotho; plus strand). Cytogenetic location: 13q13.1.
Variant type: single nucleotide variant.
Coding change: c.2619T>C on transcript NM_004795.4 (MANE Select); coding-DNA position 2619, T replaced by C.
Protein change: p.Asn873=; no amino-acid change (asparagine 873 retained).
Molecular consequence: synonymous variant.
Genome position (GRCh38, 1-based): chr13:33,061,698, T>C. VCF-style: chr13-33061698-T-C. GRCh37 (hg19) VCF-style: chr13-33635835-T-C.
Other names: p.Asn873=.
Identifiers: ClinVar variation 311705 (VCV000311705.18), dbSNP rs649964, ClinGen allele CA6944341.

ClinVar aggregate classification (germline): Benign. Review status: criteria provided, multiple submitters, no conflicts (2 of 4 stars). 7 submissions from 7 submitters: Benign (7). Last evaluated 2026-02-04.

Conditions:
Tumoral calcinosis, hyperphosphatemic, familial, 3. Identifiers: MedGen C4693864, MONDO:0060715, OMIM 617994.

Allele frequency attached by ClinVar (database versions not stated): ESP Exome Variant Server 0.96832; TOPMed 0.97011; gnomAD 0.97241 and 0.97421; 1000 Genomes Project 30x 0.97283; 1000 Genomes Project 0.97624; ExAC 0.99186; gnomAD exomes 0.99753.
gnomAD v4.1: 1,606,305 of 1,613,994 alleles (100%); highest among the groups gnomAD compares: East Asian, 100%; 799,606 homozygotes.

Submissions (7):

Labcorp Genetics (formerly Invitae), Labcorp
Classification: Benign. Last evaluated: 2026-02-04. Review status: criteria provided, single submitter. Criteria: Invitae Variant Classification Sherloc (09022015). Collection method: clinical testing. Allele origin: germline.

Blueprint Genetics
Classification: Benign. Last evaluated: 2024-11-27. Review status: criteria provided, single submitter. Criteria: ACMG Guidelines, 2015. Collection method: clinical testing. Allele origin: germline.

Mayo Clinic Laboratories, Mayo Clinic
Classification: Benign. Last evaluated: 2022-03-09. Review status: criteria provided, single submitter. Criteria: ACMG Guidelines, 2015. Collection method: clinical testing. Allele origin: germline. Observed: 176 variant alleles.

Genome-Nilou Lab
Classification: Benign for Tumoral calcinosis, hyperphosphatemic, familial, 3. Last evaluated: 2021-08-19. Review status: criteria provided, single submitter. Criteria: ACMG Guidelines, 2015. Collection method: clinical testing. Allele origin: germline. Affected: no.

GeneDx
Classification: Benign. Last evaluated: 2021-05-04. Review status: criteria provided, single submitter. Criteria: GeneDx Variant Classification Process June 2021. Collection method: clinical testing. Allele origin: germline. Affected: yes.

Illumina Laboratory Services, Illumina
Classification: Benign for Tumoral calcinosis, hyperphosphatemic, familial, 3. Last evaluated: 2018-01-13. Review status: criteria provided, single submitter. Criteria: ICSL Variant Classification Criteria 13 December 2019. Collection method: clinical testing. Allele origin: germline.
Comment: This variant was observed in the ICSL laboratory as part of a predisposition screen in an ostensibly healthy population. It had not been previously curated by ICSL or reported in the Human Gene Mutation Database (HGMD: prior to June 1st, 2018), and was therefore a candidate for classification through an automated scoring system. Utilizing variant allele frequency, disease prevalence and penetrance estimates, and inheritance mode, an automated score was calculated to assess if this variant is too frequent to cause the disease. Based on the score and internal cut-off values, a variant classified as benign is not then subjected to further curation. The score for this variant resulted in a classification of benign for this disease.

Breakthrough Genomics
Classification: Benign. Review status: criteria provided, single submitter. Criteria: ACMG Guidelines, 2015. Collection method: not provided. Allele origin: germline. Inheritance: Autosomal recessive inheritance. Affected: yes.